The following is an entry in ClinVar:

ClinVar aggregate classification (germline): Pathogenic (3 of 4 stars; one submission).

Conditions:
Monogenic diabetes. Identifiers: Orphanet 183625, MedGen C3888631, MONDO:0015967.

Submission:

ClinGen Monogenic Diabetes Variant Curation Expert Panel
Classification: Pathogenic for Monogenic diabetes. Last evaluated: 2021-08-24. Review status: reviewed by expert panel. Criteria: ClinGen Diabetes ACMG Specifications v1 1. Collection method: curation. Allele origin: germline. Inheritance: Autosomal dominant inheritance.
Comment: The c.956-1G>T variant in the HNF1 homeobox A gene, HNF1A, is predicted to remove a canonical splice acceptor site in intron 4 of NM_000545.8. This variant is predicted to cause skipping of biologically-relevant exon 5 of 10, resulting in a frameshift, leading to nonsense mediated decay in a gene in which loss-of-function is an established disease mechanism (PVS1; PMID: 23348805). The c.956-1G>C variant at the same canonical nucleotide has been classified as pathogenic for monogenic diabetes by the ClinGen MDEP, and c.956-1G>T has a similar or greater predicted impact by Splice AI (0.95 and 1.0) (PS1_Supporting). This variant is absent in gnomAD v2.1.1 (PM2_Supporting), and was identified in one individual with non-autoimmune and non-absolute/near-absolute insulin-deficient diabetes; however, PS4_Moderate cannot be applied because this number is below the ClinGen MDEP threshold (PMID 19150152). This individual had a clinical history suggestive of HNF1A-MODY (MODY probability calculator result >50%); however, HNF4A was not tested (PMID 19150152). This variant segregated with diabetes with one informative meiosis in a single family; however, this does not meet the thresholds for PP1 set by the ClinGen MDEP (PMID: 27236918, PMID 19150152). ACMG/AMP criteria applied, as specified by the ClinGen MDEP VCEP (specification version 1.0, approved 8/24/21): PVS1, PM2_Supporting, PS1_Supporting.

NM_000545.8(HNF1A):c.956-1G>T

Gene: HNF1A (HNF1 homeobox A; plus strand). Cytogenetic location: 12q24.31.
Variant type: single nucleotide variant.
Coding change: c.956-1G>T on transcript NM_000545.8 (MANE Select); the canonical splice acceptor site of the intron before coding-DNA position 956, G replaced by T.
Molecular consequence: splice acceptor variant.
Genome position (GRCh38, 1-based): chr12:120,996,261, G>T. VCF-style: chr12-120996261-G-T. GRCh37 (hg19) VCF-style: chr12-121434064-G-T.
Other names: NM_001306179.2:c.956-1G>T; c.956-1G>T (NM_001306179.2, NM_001406915.1).
Identifiers: ClinVar variation 1327621 (VCV001327621.3), dbSNP rs1565886545, ClinGen allele CA386967824.